The following is an entry in ClinVar:

NM_001122769.3(LCA5):c.1669G>A (p.Val557Met)

Gene: LCA5 (lebercilin LCA5; minus strand). Cytogenetic location: 6q14.1.
Variant type: single nucleotide variant.
Coding change: c.1669G>A on transcript NM_001122769.3 (MANE Select); coding-DNA position 1669, G replaced by A.
Protein change: p.Val557Met; replaces valine 557 with methionine.
Molecular consequence: missense variant.
Genome position (GRCh38, 1-based): chr6:79,487,429, C>T on the plus strand (G>A on the coding strand, the complement: LCA5 is on the minus strand). VCF-style: chr6-79487429-C-T. GRCh37 (hg19) VCF-style: chr6-80197146-C-T.
Other names: c.1669G>A, p.Val557Met (NM_181714.4); short protein forms V557M.
Identifiers: ClinVar variation 849466 (VCV000849466.8), dbSNP rs751306706, ClinGen allele CA3900786.

ClinVar aggregate classification (germline): Uncertain significance. Review status: criteria provided, multiple submitters, no conflicts (2 of 4 stars). 3 submissions from 3 submitters: Uncertain significance (2). 1 of the submissions does not count toward it. Last evaluated 2024-02-08.

Conditions:
Leber congenital amaurosis 5 (LCA5). Also called: Amaurosis congenita of Leber, type 5. Identifiers: Orphanet 65, MedGen C1858301, MONDO:0011473, OMIM 604537.

Allele frequency attached by ClinVar (database versions not stated): gnomAD exomes below 0.00001; ExAC 0.00001; gnomAD 0.00001.
gnomAD v4.1: 13 of 1,613,398 alleles (0.00081%); highest among the groups gnomAD compares: South Asian, 0.0033%; no homozygotes.

Submissions (3):

Blueprint Genetics
Classification: Uncertain significance. Last evaluated: 2024-02-08. Review status: criteria provided, single submitter. Criteria: ACMG Guidelines, 2015. Collection method: clinical testing. Allele origin: germline.

Labcorp Genetics (formerly Invitae), Labcorp
Classification: Uncertain significance. Last evaluated: 2021-09-01. Review status: criteria provided, single submitter. Criteria: Invitae Variant Classification Sherloc (09022015). Collection method: clinical testing. Allele origin: germline.
Comment: This sequence change replaces valine with methionine at codon 557 of the LCA5 protein (p.Val557Met). The valine residue is highly conserved and there is a small physicochemical difference between valine and methionine. This variant is present in population databases (rs751306706, ExAC 0.006%). This variant has not been reported in the literature in individuals affected with LCA5-related conditions. Algorithms developed to predict the effect of missense changes on protein structure and function are either unavailable or do not agree on the potential impact of this missense change (SIFT: "Deleterious"; PolyPhen-2: "Probably Damaging"; Align-GVGD: "Class C0"). In summary, the available evidence is currently insufficient to determine the role of this variant in disease. Therefore, it has been classified as a Variant of Uncertain Significance.

Natera, Inc.
Classification: Uncertain significance for Leber congenital amaurosis type 5. Last evaluated: 2020-08-04. Review status: no assertion criteria provided. Collection method: clinical testing. Allele origin: germline. Not counted in ClinVar's aggregate classification.